The following is an entry in ClinVar:

ClinVar aggregate classification (germline): Uncertain significance (1 of 4 stars; one submission).

Allele frequency attached by ClinVar (database versions not stated): gnomAD exomes 0.00001 and 0.00003; TOPMed 0.00001.
gnomAD v4.1: 49 of 1,614,110 alleles (0.003%); highest among the groups gnomAD compares: Non-Finnish European, 0.0041%; no homozygotes.

Submission:

Labcorp Genetics (formerly Invitae), Labcorp
Classification: Uncertain significance. Last evaluated: 2022-09-06. Review status: criteria provided, single submitter. Criteria: Invitae Variant Classification Sherloc (09022015). Collection method: clinical testing. Allele origin: germline.
Comment: In summary, the available evidence is currently insufficient to determine the role of this variant in disease. Therefore, it has been classified as a Variant of Uncertain Significance. Algorithms developed to predict the effect of sequence changes on RNA splicing suggest that this variant may create or strengthen a splice site. Algorithms developed to predict the effect of missense changes on protein structure and function are either unavailable or do not agree on the potential impact of this missense change (SIFT: "Tolerated"; PolyPhen-2: "Probably Damaging"; Align-GVGD: "Class C0"). ClinVar contains an entry for this variant (Variation ID: 1405933). This variant has not been reported in the literature in individuals affected with TUBGCP4-related conditions. This variant is present in population databases (no rsID available, gnomAD 0.002%). This sequence change replaces glycine, which is neutral and non-polar, with arginine, which is basic and polar, at codon 11 of the TUBGCP4 protein (p.Gly11Arg).

NM_014444.5(TUBGCP4):c.31G>A (p.Gly11Arg)

Gene: TUBGCP4 (tubulin gamma complex component 4; plus strand). Cytogenetic location: 15q15.3.
Variant type: single nucleotide variant.
Coding change: c.31G>A on transcript NM_014444.5 (MANE Select); coding-DNA position 31, G replaced by A.
Protein change: p.Gly11Arg; replaces glycine 11 with arginine.
Molecular consequence: missense variant.
Genome position (GRCh38, 1-based): chr15:43,371,385, G>A. VCF-style: chr15-43371385-G-A. GRCh37 (hg19) VCF-style: chr15-43663583-G-A.
Other names: c.31G>A, p.Gly11Arg (NM_001286414.3); short protein forms G11R.
Identifiers: ClinVar variation 1405933 (VCV001405933.6), dbSNP rs1329116285, ClinGen allele CA392112790.